The following is an entry in ClinVar:

NM_004385.5(VCAN):c.717C>T (p.Tyr239=)

Gene: VCAN (versican; plus strand). Cytogenetic location: 5q14.2.
Variant type: single nucleotide variant.
Coding change: c.717C>T on transcript NM_004385.5 (MANE Select); coding-DNA position 717, C replaced by T.
Protein change: p.Tyr239=; no amino-acid change (tyrosine 239 retained).
Molecular consequence: synonymous variant.
Genome position (GRCh38, 1-based): chr5:83,493,900, C>T. VCF-style: chr5-83493900-C-T. GRCh37 (hg19) VCF-style: chr5-82789719-C-T.
Other names: c.717C>T, p.Tyr239= (NM_001126336.3, NM_001164097.2, NM_001164098.2); c.717C>T (NM_004385.4).
Identifiers: ClinVar variation 1095489 (VCV001095489.11), dbSNP rs561730515, ClinGen allele CA3332503.
Genomic context (GRCh38, chr5:83,493,900, plus strand): 5'-AGATAAGATGGGAAAGGCAGGAGTCAGGACTTATGGATTCCGTTCTCCCCAGGAAACTTA[C>T]GATGTGTATTGTTATGTGGATCATCTGGATGGTAAGATGTTTGAGTTTCTATATCTTCGT-3'
Protein context (NP_004376.2, residues 229-249): TYGFRSPQET[Tyr239=]DVYCYVDHLD

ClinVar aggregate classification (germline): Likely benign. Review status: criteria provided, multiple submitters, no conflicts (2 of 4 stars). 3 submissions from 3 submitters: Likely benign (3). Last evaluated 2026-01-08.

Conditions:
VCAN-related disorder. Also called: VCAN-related condition.

Allele frequency attached by ClinVar (database versions not stated): ExAC 0.00001; gnomAD exomes 0.00001 and 0.00002; gnomAD 0.00014 and 0.00016; 1000 Genomes Project 30x 0.00016; 1000 Genomes Project 0.00020; TOPMed 0.00035.
gnomAD v4.1: 49 of 1,613,990 alleles (0.003%); highest among the groups gnomAD compares: Admixed American, 0.048%; no homozygotes.

Submissions (3):

Labcorp Genetics (formerly Invitae), Labcorp
Classification: Likely benign. Last evaluated: 2026-01-08. Review status: criteria provided, single submitter. Criteria: Invitae Variant Classification Sherloc (09022015). Collection method: clinical testing. Allele origin: germline.

PreventionGenetics, part of Exact Sciences
Classification: Likely benign for VCAN-related condition. Last evaluated: 2024-10-18. Review status: criteria provided, single submitter. Criteria: ACMG Guidelines, 2015. Collection method: clinical testing. Allele origin: germline.
Comment: This variant is classified as likely benign based on ACMG/AMP sequence variant interpretation guidelines (Richards et al. 2015 PMID: 25741868, with internal and published modifications).

Blueprint Genetics
Classification: Likely benign. Last evaluated: 2024-08-27. Review status: criteria provided, single submitter. Criteria: ACMG Guidelines, 2015. Collection method: clinical testing. Allele origin: germline.